The following is an entry in ClinVar:

ClinVar aggregate classification (germline): Uncertain significance (1 of 4 stars; one submission).

Allele frequency attached by ClinVar (database versions not stated): gnomAD 0.00001; gnomAD exomes 0.00001; TOPMed 0.00001; ExAC 0.00005; ESP Exome Variant Server 0.00008.
gnomAD v4.1: 10 of 1,550,248 alleles (0.00065%); highest among the groups gnomAD compares: African/African-American, 0.0027%; no homozygotes.

Submission:

Labcorp Genetics (formerly Invitae), Labcorp
Classification: Uncertain significance. Last evaluated: 2023-07-09. Review status: criteria provided, single submitter. Criteria: Invitae Variant Classification Sherloc (09022015). Collection method: clinical testing. Allele origin: germline.
Comment: Advanced modeling of protein sequence and biophysical properties (such as structural, functional, and spatial information, amino acid conservation, physicochemical variation, residue mobility, and thermodynamic stability) performed at Invitae indicates that this missense variant is expected to disrupt PACS2 protein function. In summary, the available evidence is currently insufficient to determine the role of this variant in disease. Therefore, it has been classified as a Variant of Uncertain Significance. ClinVar contains an entry for this variant (Variation ID: 1361517). This variant has not been reported in the literature in individuals affected with PACS2-related conditions. The frequency data for this variant in the population databases is considered unreliable, as metrics indicate poor data quality at this position in the gnomAD database. This sequence change replaces arginine, which is basic and polar, with tryptophan, which is neutral and slightly polar, at codon 441 of the PACS2 protein (p.Arg441Trp).

NM_001100913.3(PACS2):c.1321C>T (p.Arg441Trp)

Gene: PACS2 (phosphofurin acidic cluster sorting protein 2; plus strand). Cytogenetic location: 14q32.33.
Variant type: single nucleotide variant.
Coding change: c.1321C>T on transcript NM_001100913.3 (MANE Select); coding-DNA position 1321, C replaced by T.
Protein change: p.Arg441Trp; replaces arginine 441 with tryptophan.
Molecular consequence: missense variant.
Genome position (GRCh38, 1-based): chr14:105,381,966, C>T. VCF-style: chr14-105381966-C-T. GRCh37 (hg19) VCF-style: chr14-105848303-C-T.
Other names: c.1096C>T, p.Arg366Trp (NM_001243127.3); c.1321C>T, p.Arg441Trp (NM_015197.4); short protein forms R441W, R366W.
Identifiers: ClinVar variation 1361517 (VCV001361517.6), dbSNP rs147649140, ClinGen allele CA7388786.
Genomic context (GRCh38, chr14:105,381,966, plus strand): 5'-CCCAATAGGTCCGAGGGGAAGCAGGCTGGCCGACGGGGCCGGAGCACATCCTTGAAGGAG[C>T]GGCAGGCAGCACGGCCCCAGAATGAGCGGGCCAACAGCCTGGACAACGAGCGCTGCCCGG-3'
Protein context (NP_001094383.2, residues 431-451): RRGRSTSLKE[Arg441Trp]QAARPQNERA